The following is an entry in ClinVar:

NM_001387011.1(AMBRA1):c.640C>G (p.Pro214Ala)

Gene: AMBRA1 (autophagy and beclin 1 regulator 1; minus strand). Cytogenetic location: 11p11.2.
Variant type: single nucleotide variant.
Coding change: c.640C>G on transcript NM_001387011.1 (MANE Select); coding-DNA position 640, C replaced by G.
Protein change: p.Pro214Ala; replaces proline 214 with alanine.
Molecular consequence: missense variant. On other transcripts: non-coding transcript variant (1).
Genome position (GRCh38, 1-based): chr11:46,543,377, G>C on the plus strand (C>G on the coding strand, the complement: AMBRA1 is on the minus strand). VCF-style: chr11-46543377-G-C. GRCh37 (hg19) VCF-style: chr11-46564927-G-C.
Other names: c.640C>G, p.Pro214Ala (NM_001267782.2, NM_001267783.2, NM_001300731.2 and 4 more transcripts); c.103C>G, p.Pro35Ala (NM_001367470.1); short protein forms P214A, P35A.
Identifiers: ClinVar variation 4981834 (VCV004981834.1).
Genomic context (GRCh38, chr11:46,543,377, plus strand): 5'-CTGGCTGTGATTGCAGGAGGGCACGCTGACGGTAGTGGGATAATTCTGTTCCATCTATGG[G>C]GATCTCTGGTTCGTCATCACCCTGCAACGTGGACCAGCATGGGGCAGGGGGTAGAGCAAG-3'
Protein context (NP_001373940.1, residues 204-224): NQQGDDEPEI[Pro214Ala]IDGTELSHYR

ClinVar aggregate classification (germline): Likely benign (1 of 4 stars; one submission).

Conditions:
AMBRA1-related disorder. Also called: AMBRA1-related condition.

gnomAD v4.1: 2,697 of 1,613,912 alleles (0.17%); highest among the groups gnomAD compares: Non-Finnish European, 0.21%; 9 homozygotes.

Submission:

PreventionGenetics, part of Exact Sciences
Classification: Likely benign for AMBRA1-related condition. Last evaluated: 2024-12-11. Review status: criteria provided, single submitter. Criteria: ACMG Guidelines, 2015. Collection method: clinical testing. Allele origin: germline.
Comment: This variant is classified as likely benign based on ACMG/AMP sequence variant interpretation guidelines (Richards et al. 2015 PMID: 25741868, with internal and published modifications).